The following is an entry in ClinVar:

ClinVar aggregate classification (germline): Likely benign. Review status: criteria provided, multiple submitters, no conflicts (2 of 4 stars). 3 submissions from 3 submitters: Likely benign (3). Last evaluated 2025-08-04.

Allele frequency attached by ClinVar (database versions not stated): ExAC 0.00003; gnomAD exomes 0.00003; gnomAD 0.00013 and 0.00014; ESP Exome Variant Server 0.00015.
gnomAD v4.1: 36 of 1,613,022 alleles (0.0022%); highest among the groups gnomAD compares: African/African-American, 0.043%; no homozygotes.

Submissions (3):

Labcorp Genetics (formerly Invitae), Labcorp
Classification: Likely benign. Last evaluated: 2025-08-04. Review status: criteria provided, single submitter. Criteria: Invitae Variant Classification Sherloc (09022015). Collection method: clinical testing. Allele origin: germline.

CeGaT Center for Human Genetics Tuebingen
Classification: Likely benign. Last evaluated: 2025-03-01. Review status: criteria provided, single submitter. Criteria: CeGaT Center For Human Genetics Tuebingen Variant Classification Criteria Version 2. Collection method: clinical testing. Allele origin: germline. Affected: yes. Observed: 1 variant allele.
Comment: TBCE: BP4, BP7

Genetic Services Laboratory, University of Chicago
Classification: Likely benign. Last evaluated: 2019-10-25. Review status: criteria provided, single submitter. Criteria: ACMG Guidelines, 2015. Collection method: clinical testing. Allele origin: germline. Affected: no.

NM_003193.5(TBCE):c.1567C>T (p.Leu523=)

Genes: B3GALNT2 (beta-1,3-N-acetylgalactosaminyltransferase 2; minus strand), TBCE (tubulin folding cofactor E; plus strand). Cytogenetic location: 1q42.3.
Variant type: single nucleotide variant.
Coding change: c.1567C>T on transcript NM_003193.5 (MANE Select); coding-DNA position 1567, C replaced by T.
Protein change: p.Leu523=; no amino-acid change (leucine 523 retained).
Molecular consequence: synonymous variant. On other transcripts: 3 prime UTR variant (1).
Genome position (GRCh38, 1-based): chr1:235,448,745, C>T. VCF-style: chr1-235448745-C-T. GRCh37 (hg19) VCF-style: chr1-235612060-C-T.
Other names: c.*1461G>A (NM_152490.5); c.1567C>T, p.Leu523= (NM_001079515.3); c.1720C>T, p.Leu574= (NM_001287801.2); c.1228C>T, p.Leu410= (NM_001287802.2).
Identifiers: ClinVar variation 1337401 (VCV001337401.16), dbSNP rs140104308, ClinGen allele CA1464537.